The following is an entry in ClinVar:

ClinVar aggregate classification (germline): Conflicting classifications of pathogenicity. Review status: criteria provided, conflicting classifications (1 of 4 stars). 6 submissions from 6 submitters: Uncertain significance (3); Likely benign (1). 2 of the submissions do not count toward it. Last evaluated 2025-09-08.

Conditions:
Inborn genetic diseases. Identifiers: MedGen C0950123, MeSH D030342.
Multiple congenital anomalies-hypotonia-seizures syndrome 2 (MCAHS2). Also called: GLYCOSYLPHOSPHATIDYLINOSITOL BIOSYNTHESIS DEFECT 4; EPILEPTIC ENCEPHALOPATHY, EARLY INFANTILE, 20. Identifiers: Orphanet 300496, MedGen C3275508, MONDO:0010466, OMIM 300868.

Allele frequency attached by ClinVar (database versions not stated): ExAC 0.00001; gnomAD exomes 0.00002; gnomAD 0.00006 and 0.00007; ESP Exome Variant Server 0.00009; TOPMed 0.00020.
gnomAD v4.1: 28 of 1,209,612 alleles (0.0023%); highest among the groups gnomAD compares: Admixed American, 0.024%; no homozygotes.

Submissions (6):

Labcorp Genetics (formerly Invitae), Labcorp
Classification: Uncertain significance for Multiple congenital anomalies-hypotonia-seizures syndrome 2. Last evaluated: 2025-09-08. Review status: criteria provided, single submitter. Criteria: Invitae Variant Classification Sherloc (09022015). Collection method: clinical testing. Allele origin: germline.
Comment: This sequence change replaces serine, which is neutral and polar, with glycine, which is neutral and non-polar, at codon 21 of the PIGA protein (p.Ser21Gly). This variant is present in population databases (rs375401655, gnomAD 0.001%). This variant has not been reported in the literature in individuals affected with PIGA-related conditions. ClinVar contains an entry for this variant (Variation ID: 430403). Invitae Evidence Modeling of protein sequence and biophysical properties (such as structural, functional, and spatial information, amino acid conservation, physicochemical variation, residue mobility, and thermodynamic stability) has been performed for this missense variant. However, the output from this modeling did not meet the statistical confidence thresholds required to predict the impact of this variant on PIGA protein function. In summary, the available evidence is currently insufficient to determine the role of this variant in disease. Therefore, it has been classified as a Variant of Uncertain Significance.

Ambry Genetics
Classification: Uncertain significance for Inborn genetic diseases. Last evaluated: 2024-07-02. Review status: criteria provided, single submitter. Criteria: Ambry Variant Classification Scheme 2023. Collection method: clinical testing. Allele origin: germline.

GeneDx
Classification: Likely benign. Last evaluated: 2021-05-10. Review status: criteria provided, single submitter. Criteria: GeneDx Variant Classification Process June 2021. Collection method: clinical testing. Allele origin: germline. Affected: yes.

Athena Diagnostics
Classification: Uncertain significance. Last evaluated: 2018-06-15. Review status: criteria provided, single submitter. Criteria: Athena Diagnostics Criteria. Collection method: clinical testing. Allele origin: germline.

Clinical Genetics DNA and cytogenetics Diagnostics Lab, Erasmus MC, Erasmus Medical Center
Classification: Uncertain significance. Review status: no assertion criteria provided. Collection method: clinical testing. Allele origin: germline. Affected: yes. Study: VKGL Data-share Consensus. Not counted in ClinVar's aggregate classification.

Laboratory of Diagnostic Genome Analysis, Leiden University Medical Center (LUMC)
Classification: Uncertain significance. Review status: no assertion criteria provided. Collection method: clinical testing. Allele origin: germline. Affected: yes. Study: VKGL Data-share Consensus. Not counted in ClinVar's aggregate classification.

NM_002641.4(PIGA):c.61A>G (p.Ser21Gly)

Gene: PIGA (phosphatidylinositol glycan anchor biosynthesis class A; minus strand). Cytogenetic location: Xp22.2.
Variant type: single nucleotide variant.
Coding change: c.61A>G on transcript NM_002641.4 (MANE Select); coding-DNA position 61, A replaced by G.
Protein change: p.Ser21Gly; replaces serine 21 with glycine.
Molecular consequence: missense variant. On other transcripts: non-coding transcript variant (1), intron variant (1).
Genome position (GRCh38, 1-based): chrX:15,331,870, T>C on the plus strand (A>G on the coding strand, the complement: PIGA is on the minus strand). VCF-style: chrX-15331870-T-C. GRCh37 (hg19) VCF-style: chrX-15349992-T-C.
Other names: c.13+3631A>G (NM_020473.3); short protein forms S21G.
Identifiers: ClinVar variation 430403 (VCV000430403.23), dbSNP rs375401655, ClinGen allele CA10354193.